The following is an entry in ClinVar:

NM_000023.4(SGCA):c.653G>A (p.Ser218Asn)

Gene: SGCA (sarcoglycan alpha; plus strand). Cytogenetic location: 17q21.33.
Variant type: single nucleotide variant.
Coding change: c.653G>A on transcript NM_000023.4 (MANE Select); coding-DNA position 653, G replaced by A.
Protein change: p.Ser218Asn; replaces serine 218 with asparagine.
Molecular consequence: missense variant. On other transcripts: non-coding transcript variant (1), intron variant (1).
Genome position (GRCh38, 1-based): chr17:50,169,160, G>A. VCF-style: chr17-50169160-G-A. GRCh37 (hg19) VCF-style: chr17-48246521-G-A.
Other names: c.584+588G>A (NM_001135697.3); short protein forms S218N.
Identifiers: ClinVar variation 2634002 (VCV002634002.1), dbSNP rs201116286, ClinGen allele CA8643856.

ClinVar aggregate classification (germline): Uncertain significance (1 of 4 stars; one submission).

Conditions:
SGCA-related disorder. Also called: SGCA-related condition.

Allele frequency attached by ClinVar (database versions not stated): ExAC 0.00001; gnomAD 0.00001; 1000 Genomes Project 30x 0.00016; 1000 Genomes Project 0.00020.
gnomAD v4.1: 1 of 1,614,012 alleles (0.000062%); highest among the groups gnomAD compares: African/African-American, 0.0013%; no homozygotes.

Submission:

PreventionGenetics, part of Exact Sciences
Classification: Uncertain significance for SGCA-related condition. Last evaluated: 2023-10-05. Review status: criteria provided, single submitter. Criteria: ACMG Guidelines, 2015. Collection method: clinical testing. Allele origin: germline.
Comment: The SGCA c.653G>A variant is predicted to result in the amino acid substitution p.Ser218Asn. To our knowledge, this variant has not been reported in the literature. This variant is reported in 0.0062% of alleles in individuals of African descent in gnomAD. At this time, the clinical significance of this variant is uncertain due to the absence of conclusive functional and genetic evidence.